The following is an entry in ClinVar:

ClinVar aggregate classification (germline): Uncertain significance (1 of 4 stars; one submission).

Conditions:
Hereditary cancer-predisposing syndrome. Also called: Hereditary Cancer Syndrome; Hereditary neoplastic syndrome; Tumor predisposition; Neoplastic Syndromes, Hereditary. Identifiers: Orphanet 140162, MedGen C0027672, MeSH D009386, MONDO:0015356.

Submission:

Ambry Genetics
Classification: Uncertain significance for Hereditary cancer-predisposing syndrome. Last evaluated: 2022-06-01. Review status: criteria provided, single submitter. Criteria: Ambry Variant Classification Scheme 2023. Collection method: clinical testing. Allele origin: germline.
Comment: The p.N780K variant (also known as c.2340C>G), located in coding exon 16 of the PDGFRA gene, results from a C to G substitution at nucleotide position 2340. The asparagine at codon 780 is replaced by lysine, an amino acid with similar properties. This amino acid position is conserved. In addition, this alteration is predicted to be tolerated by in silico analysis. Since supporting evidence is limited at this time, the clinical significance of this alteration remains unclear.

NM_006206.6(PDGFRA):c.2340C>G (p.Asn780Lys)

Gene: PDGFRA (platelet derived growth factor receptor alpha; plus strand). Cytogenetic location: 4q12.
Variant type: single nucleotide variant.
Coding change: c.2340C>G on transcript NM_006206.6 (MANE Select); coding-DNA position 2340, C replaced by G.
Protein change: p.Asn780Lys; replaces asparagine 780 with lysine.
Molecular consequence: missense variant.
Genome position (GRCh38, 1-based): chr4:54,285,387, C>G. VCF-style: chr4-54285387-C-G. GRCh37 (hg19) VCF-style: chr4-55151554-C-G.
Other names: c.2415C>G, p.Asn805Lys (NM_001347828.2); c.2340C>G, p.Asn780Lys (NM_001347829.2); c.2379C>G, p.Asn793Lys (NM_001347830.2); short protein forms N793K, N805K, N780K.
Identifiers: ClinVar variation 1789855 (VCV001789855.2), dbSNP rs2110335457, ClinGen allele CA356894614.